The following is an entry in ClinVar:

NM_000122.2(ERCC3):c.32A>G (p.Lys11Arg)

Gene: ERCC3 (ERCC excision repair 3, TFIIH core complex helicase subunit; minus strand). Cytogenetic location: 2q14.3.
Variant type: single nucleotide variant.
Coding change: c.32A>G on transcript NM_000122.2 (MANE Select); coding-DNA position 32, A replaced by G.
Protein change: p.Lys11Arg; replaces lysine 11 with arginine.
Molecular consequence: missense variant. On other transcripts: 5 prime UTR variant (2).
Genome position (GRCh38, 1-based): chr2:127,293,715, T>C on the plus strand (A>G on the coding strand, the complement: ERCC3 is on the minus strand). VCF-style: chr2-127293715-T-C. GRCh37 (hg19) VCF-style: chr2-128051291-T-C.
Other names: c.-161A>G (NM_001303416.2, NM_001303418.2); short protein forms K11R.
Identifiers: ClinVar variation 847501 (VCV000847501.6), dbSNP rs199934696, ClinGen allele CA1858638.

ClinVar aggregate classification (germline): Uncertain significance. Review status: criteria provided, multiple submitters, no conflicts (2 of 4 stars). 3 submissions from 3 submitters: Uncertain significance (3). Last evaluated 2025-07-01.

Conditions:
Inborn genetic diseases. Identifiers: MedGen C0950123, MeSH D030342.
Xeroderma pigmentosum group B. Also called: XP, GROUP B; ERCC3-Related Xeroderma Pigmentosum; XPB/CS; XERODERMA PIGMENTOSUM B/COCKAYNE SYNDROME. Identifiers: MedGen C0268136, MONDO:0012531, OMIM 610651.
Trichothiodystrophy 2, photosensitive (TTD2). Identifiers: Orphanet 33364, MedGen C4225344, MONDO:0014615, OMIM 616390.

Allele frequency attached by ClinVar (database versions not stated): gnomAD 0.00002 and 0.00003; ExAC 0.00004; gnomAD exomes 0.00004 and 0.00005; TOPMed 0.00004; 1000 Genomes Project 30x 0.00016; 1000 Genomes Project 0.00020.
gnomAD v4.1: 66 of 1,611,808 alleles (0.0041%); highest among the groups gnomAD compares: East Asian, 0.1%; 1 homozygote.

Submissions (3):

Ambry Genetics
Classification: Uncertain significance for Inborn genetic diseases. Last evaluated: 2025-07-01. Review status: criteria provided, single submitter. Criteria: Ambry Variant Classification Scheme 2023. Collection method: clinical testing. Allele origin: germline.

Labcorp Genetics (formerly Invitae), Labcorp
Classification: Uncertain significance. Last evaluated: 2022-10-13. Review status: criteria provided, single submitter. Criteria: Invitae Variant Classification Sherloc (09022015). Collection method: clinical testing. Allele origin: germline.
Comment: This sequence change replaces lysine, which is basic and polar, with arginine, which is basic and polar, at codon 11 of the ERCC3 protein (p.Lys11Arg). This variant is present in population databases (rs199934696, gnomAD 0.05%). This variant has not been reported in the literature in individuals affected with ERCC3-related conditions. ClinVar contains an entry for this variant (Variation ID: 847501). Algorithms developed to predict the effect of missense changes on protein structure and function are either unavailable or do not agree on the potential impact of this missense change (SIFT: "Tolerated"; PolyPhen-2: "Not Available"; Align-GVGD: "Class C0"). Algorithms developed to predict the effect of sequence changes on RNA splicing suggest that this variant may create or strengthen a splice site. In summary, the available evidence is currently insufficient to determine the role of this variant in disease. Therefore, it has been classified as a Variant of Uncertain Significance.

Fulgent Genetics
Classification: Uncertain significance for Xeroderma pigmentosum group B; Trichothiodystrophy 2, photosensitive. Last evaluated: 2021-10-11. Review status: criteria provided, single submitter. Criteria: ACMG Guidelines, 2015. Collection method: clinical testing. Allele origin: unknown.